The following is an entry in ClinVar:

NM_152672.6(SLC51A):c.814A>G (p.Ile272Val)

Gene: SLC51A (solute carrier family 51 member A; plus strand). Cytogenetic location: 3q29.
Variant type: single nucleotide variant.
Coding change: c.814A>G on transcript NM_152672.6 (MANE Select); coding-DNA position 814, A replaced by G.
Protein change: p.Ile272Val; replaces isoleucine 272 with valine.
Molecular consequence: missense variant.
Genome position (GRCh38, 1-based): chr3:196,232,452, A>G. VCF-style: chr3-196232452-A-G. GRCh37 (hg19) VCF-style: chr3-195959323-A-G.
Other names: short protein forms I272V.
Identifiers: ClinVar variation 3039542 (VCV003039542.3), dbSNP rs140725914, ClinGen allele CA2779232.

ClinVar aggregate classification (germline): Uncertain significance. Review status: criteria provided, single submitter (1 of 4 stars). 2 submissions from 2 submitters: Uncertain significance (1). 1 of the submissions does not count toward it. Last evaluated 2024-06-16.

Conditions:
SLC51A-related disorder. Also called: SLC51A-related condition.

Allele frequency attached by ClinVar (database versions not stated): ExAC 0.00088; 1000 Genomes Project 30x 0.00094; 1000 Genomes Project 0.00100; TOPMed 0.00105; gnomAD 0.00115; gnomAD exomes 0.00166; ESP Exome Variant Server 0.00200.

Submissions (2):

Ambry Genetics
Classification: Uncertain significance. Last evaluated: 2024-06-16. Review status: criteria provided, single submitter. Criteria: Ambry Variant Classification Scheme 2023. Collection method: clinical testing. Allele origin: germline.

PreventionGenetics, part of Exact Sciences
Classification: Likely benign for SLC51A-related condition. Last evaluated: 2023-06-21. Review status: no assertion criteria provided. Collection method: clinical testing. Allele origin: germline. Not counted in ClinVar's aggregate classification.
Comment: This variant is classified as likely benign based on ACMG/AMP sequence variant interpretation guidelines (Richards et al. 2015 PMID: 25741868, with internal and published modifications).